The following is an entry in ClinVar:

NM_000070.3(CAPN3):c.151T>C (p.Phe51Leu)

Gene: CAPN3 (calpain 3; plus strand). Cytogenetic location: 15q15.1.
Variant type: single nucleotide variant.
Coding change: c.151T>C on transcript NM_000070.3 (MANE Select); coding-DNA position 151, T replaced by C.
Protein change: p.Phe51Leu; replaces phenylalanine 51 with leucine.
Molecular consequence: missense variant.
Genome position (GRCh38, 1-based): chr15:42,359,956, T>C. VCF-style: chr15-42359956-T-C. GRCh37 (hg19) VCF-style: chr15-42652154-T-C.
Other names: c.151T>C, p.Phe51Leu (NM_024344.2, NM_173087.2); short protein forms F51L.
Identifiers: ClinVar variation 1910725 (VCV001910725.2), dbSNP rs2548224828, ClinGen allele CA391994537.

ClinVar aggregate classification (germline): Uncertain significance (1 of 4 stars; one submission).

Conditions:
Autosomal recessive limb-girdle muscular dystrophy type 2A (LGMDR1). Also called: Muscular dystrophy, limb-girdle, type 2A, Amish; Limb-girdle muscular dystrophy, type 2A; Calpainopathy; LEYDEN-MOEBIUS MUSCULAR DYSTROPHY; MUSCULAR DYSTROPHY, PELVOFEMORAL. Identifiers: Orphanet 267, MedGen C1869123, MONDO:0009675, OMIM 253600. Disease mechanism: loss of function.

Allele frequency attached by ClinVar (database versions not stated): gnomAD exomes below 0.00001.

Submission:

Labcorp Genetics (formerly Invitae), Labcorp
Classification: Uncertain significance for Autosomal recessive limb-girdle muscular dystrophy type 2A. Last evaluated: 2022-07-18. Review status: criteria provided, single submitter. Criteria: Invitae Variant Classification Sherloc (09022015). Collection method: clinical testing. Allele origin: germline.
Comment: This sequence change replaces phenylalanine, which is neutral and non-polar, with leucine, which is neutral and non-polar, at codon 51 of the CAPN3 protein (p.Phe51Leu). This variant is not present in population databases (gnomAD no frequency). This variant has not been reported in the literature in individuals affected with CAPN3-related conditions. Algorithms developed to predict the effect of missense changes on protein structure and function (SIFT, PolyPhen-2, Align-GVGD) all suggest that this variant is likely to be tolerated. In summary, the available evidence is currently insufficient to determine the role of this variant in disease. Therefore, it has been classified as a Variant of Uncertain Significance.